The following is an entry in ClinVar:

ClinVar aggregate classification (germline): Benign/Likely benign. Review status: criteria provided, multiple submitters, no conflicts (2 of 4 stars). 3 submissions from 3 submitters: Benign (1); Likely benign (2). Last evaluated 2026-07-08.

Conditions:
Rhabdoid tumor predisposition syndrome 2 (RTPS2). Identifiers: Orphanet 231108, Orphanet 69077, MedGen C2750074, MONDO:0013224, OMIM 613325.
Hereditary cancer-predisposing syndrome. Also called: Tumor predisposition; Neoplastic Syndromes, Hereditary; Hereditary Cancer Syndrome; Hereditary neoplastic syndrome. Identifiers: Orphanet 140162, MedGen C0027672, MeSH D009386, MONDO:0015356.

Allele frequency attached by ClinVar (database versions not stated): gnomAD 0.00001 and below 0.00001; gnomAD exomes 0.00004 and 0.00002; ExAC 0.00003.
gnomAD v4.1: 30 of 1,613,992 alleles (0.0019%); highest among the groups gnomAD compares: South Asian, 0.032%; no homozygotes.

Submissions (3):

Myriad Genetics, Inc.
Classification: Benign for Rhabdoid tumor predisposition syndrome 2. Last evaluated: 2026-07-08. Review status: criteria provided, single submitter. Criteria: Myriad Autosomal Dominant, Autosomal Recessive and X-Linked Classification Criteria (2023). Collection method: clinical testing. Allele origin: unknown.
Comment: This variant is considered benign. This variant is a silent/synonymous amino acid change and it is not expected to impact splicing.

Labcorp Genetics (formerly Invitae), Labcorp
Classification: Likely benign for Rhabdoid tumor predisposition syndrome 2. Last evaluated: 2025-12-19. Review status: criteria provided, single submitter. Criteria: Invitae Variant Classification Sherloc (09022015). Collection method: clinical testing. Allele origin: germline.

Ambry Genetics
Classification: Likely benign for Hereditary cancer-predisposing syndrome. Last evaluated: 2019-01-16. Review status: criteria provided, single submitter. Criteria: Ambry Variant Classification Scheme 2023. Collection method: clinical testing. Allele origin: germline.

NM_003072.5(SMARCA4):c.297G>A (p.Arg99=)

Gene: SMARCA4 (SWI/SNF related BAF chromatin remodeling complex subunit ATPase 4; plus strand). Cytogenetic location: 19p13.2.
Variant type: single nucleotide variant.
Coding change: c.297G>A on transcript NM_003072.5 (MANE Select); coding-DNA position 297, G replaced by A.
Protein change: p.Arg99=; no amino-acid change (arginine 99 retained).
Molecular consequence: synonymous variant. On other transcripts: non-coding transcript variant (1).
Genome position (GRCh38, 1-based): chr19:10,985,347, G>A. VCF-style: chr19-10985347-G-A. GRCh37 (hg19) VCF-style: chr19-11096023-G-A.
Other names: c.297G>A, p.Arg99= (NM_001128844.3, NM_001128845.2, NM_001128846.2 and 5 more transcripts).
Identifiers: ClinVar variation 480681 (VCV000480681.18), dbSNP rs771605253, ClinGen allele CA9203454.